The following is an entry in ClinVar:

ClinVar aggregate classification (germline): Likely pathogenic (1 of 4 stars; one submission).

Conditions:
Developmental and epileptic encephalopathy, 13 (DEE13). Also called: Developmental and Epileptic Encephalopathy (SCN8A-DEE); Early infantile epileptic encephalopathy 13; SCN8A-Related Epilepsy. Identifiers: Orphanet 442835, MedGen C3281191, MONDO:0013801, OMIM 614558.

Submission:

Institute of Human Genetics, University of Leipzig Medical Center
Classification: Likely pathogenic for Developmental and epileptic encephalopathy, 13. Last evaluated: 2025-06-16. Review status: criteria provided, single submitter. Criteria: ACMG Guidelines, 2015. Collection method: clinical testing. Allele origin: unknown. Inheritance: Autosomal dominant inheritance. Affected: yes.
Comment: Criteria applied: PS1,PM5,PP3_MOD,PM2_SUP

NM_001330260.2(SCN8A):c.2858G>A (p.Cys953Tyr)

Gene: SCN8A (sodium voltage-gated channel alpha subunit 8; plus strand). Cytogenetic location: 12q13.13.
Variant type: single nucleotide variant.
Coding change: c.2858G>A on transcript NM_001330260.2 (MANE Select); coding-DNA position 2858, G replaced by A.
Protein change: p.Cys953Tyr; replaces cysteine 953 with tyrosine.
Molecular consequence: missense variant.
Genome position (GRCh38, 1-based): chr12:51,765,984, G>A. VCF-style: chr12-51765984-G-A. GRCh37 (hg19) VCF-style: chr12-52159768-G-A.
Other names: c.2858G>A, p.Cys953Tyr (NM_001177984.3, NM_001369788.1, NM_014191.4); short protein forms C953Y.
Identifiers: ClinVar variation 4056325 (VCV004056325.1).
Genomic context (GRCh38, chr12:51,765,984, plus strand): 5'-TGTGCGGGGAGTGGATTGAGACCATGTGGGACTGCATGGAAGTGGCAGGCCAGGCCATGT[G>A]CCTCATTGTCTTTATGATGGTCATGGTGATTGGCAACTTGGTGGTTAGTACTAATTTGTA-3'
Protein context (NP_001317189.1, residues 943-963): DCMEVAGQAM[Cys953Tyr]LIVFMMVMVI